The following is an entry in ClinVar:

ClinVar aggregate classification (germline): Uncertain significance (1 of 4 stars; one submission).

gnomAD v4.1: 18 of 1,614,102 alleles (0.0011%); highest among the groups gnomAD compares: African/African-American, 0.0027%; no homozygotes.

Submission:

Labcorp Genetics (formerly Invitae), Labcorp
Classification: Uncertain significance. Last evaluated: 2025-12-11. Review status: criteria provided, single submitter. Criteria: Invitae Variant Classification Sherloc (09022015). Collection method: clinical testing. Allele origin: germline.
Comment: This sequence change replaces glutamic acid, which is acidic and polar, with glutamine, which is neutral and polar, at codon 234 of the CRAT protein (p.Glu234Gln). This variant is present in population databases (rs780641174, gnomAD 0.007%). This variant has not been reported in the literature in individuals affected with CRAT-related conditions. Invitae Evidence Modeling of protein sequence and biophysical properties (such as structural, functional, and spatial information, amino acid conservation, physicochemical variation, residue mobility, and thermodynamic stability) indicates that this missense variant is not expected to disrupt CRAT protein function with a negative predictive value of 80%. In summary, the available evidence is currently insufficient to determine the role of this variant in disease. Therefore, it has been classified as a Variant of Uncertain Significance.

NM_000755.5(CRAT):c.700G>C (p.Glu234Gln)

Gene: CRAT (carnitine O-acetyltransferase; minus strand). Cytogenetic location: 9q34.11.
Variant type: single nucleotide variant.
Coding change: c.700G>C on transcript NM_000755.5 (MANE Select); coding-DNA position 700, G replaced by C.
Protein change: p.Glu234Gln; replaces glutamic acid 234 with glutamine.
Molecular consequence: missense variant.
Genome position (GRCh38, 1-based): chr9:129,101,988, C>G on the plus strand (G>C on the coding strand, the complement: CRAT is on the minus strand). VCF-style: chr9-129101988-C-G. GRCh37 (hg19) VCF-style: chr9-131864267-C-G.
Other names: c.637G>C, p.Glu213Gln (NM_001257363.3, NM_001346548.2, NM_004003.4); c.703G>C, p.Glu235Gln (NM_001346546.2); c.700G>C, p.Glu234Gln (NM_001346547.2); c.580G>C, p.Glu194Gln (NM_001346549.2); short protein forms E213Q, E234Q, E235Q, E194Q.
Identifiers: ClinVar variation 4735578 (VCV004735578.1).